The following is an entry in ClinVar:

ClinVar aggregate classification (germline): Pathogenic (1 of 4 stars; one submission).

Conditions:
Familial cancer of breast. Also called: BREAST CANCER, FAMILIAL; hereditary breast carcinoma; Hereditary breast cancer. Identifiers: Orphanet 227535, MedGen C0346153, MONDO:0016419, OMIM 114480. Disease mechanism: loss of function.
Fanconi anemia complementation group J. Also called: BRIP1-Related Fanconi Anemia. Identifiers: Orphanet 84, MedGen C1836860, MONDO:0012187, OMIM 609054.

Submission:

Labcorp Genetics (formerly Invitae), Labcorp
Classification: Pathogenic for Familial cancer of breast; Fanconi anemia complementation group J. Last evaluated: 2022-05-11. Review status: criteria provided, single submitter. Criteria: Invitae Variant Classification Sherloc (09022015). Collection method: clinical testing. Allele origin: germline.
Comment: This variant disrupts the TopBP1-binding region of the BRIP1 protein, which plays a critical role in RPA chromatin loading and the activation of the replication checkpoint in response to DNA damage (PMID: 20159562, 21127055). While functional studies have not been performed to directly test the effect of this variant on BRIP1 protein function, this suggests that disruption of this region of the protein is causative of disease. This variant disrupts a region of the BRIP1 protein in which other variant(s) (p.Pro1134Leufs*16) have been determined to be pathogenic (PMID: 16280053, 20616022, 26315354, 26921362). This suggests that this is a clinically significant region of the protein, and that variants that disrupt it are likely to be disease-causing. For these reasons, this variant has been classified as Pathogenic. This variant has not been reported in the literature in individuals affected with BRIP1-related conditions. This variant is a gross deletion of the genomic region encompassing exon(s) 19-20 of the BRIP1 gene, which includes the termination codon. This deletion extends beyond the assayed region for this gene and therefore may encompass additional genes. While this deletion is not anticipated to lead to nonsense mediated decay, it is expected to alter mRNA translation or result in a truncated protein product.

Literature cited by the submitters: PubMed 20159562; PubMed 21127055; PubMed 16280053; PubMed 20616022; PubMed 26315354; PubMed 26921362.

NC_000017.10:g.(?_59760657)_(59763536_?)del

Gene: BRIP1 (BRCA1 interacting DNA helicase 1; minus strand). Cytogenetic location: 17q23.2.
Variant type: Deletion.
Identifiers: ClinVar variation 2426998 (VCV002426998.4).